The following is an entry in ClinVar:

ClinVar aggregate classification (germline): Pathogenic/Likely pathogenic. Review status: criteria provided, multiple submitters, no conflicts (2 of 4 stars). 2 submissions from 2 submitters: Pathogenic (1); Likely pathogenic (1). Last evaluated 2021-02-04.

Conditions:
Early-infantile DEE. Also called: Early infantile epileptic encephalopathy; Ohtahara syndrome; Early infantile epileptic encephalopathy with suppression bursts. Identifiers: Orphanet 1934, MedGen C0393706, MONDO:0800491.

Submissions (2):

Labcorp Genetics (formerly Invitae), Labcorp
Classification: Pathogenic for Early-infantile DEE. Last evaluated: 2021-02-04. Review status: criteria provided, single submitter. Criteria: Invitae Variant Classification Sherloc (09022015). Collection method: clinical testing. Allele origin: germline.
Comment: For these reasons, this variant has been classified as Pathogenic. Advanced modeling of protein sequence and biophysical properties (such as structural, functional, and spatial information, amino acid conservation, physicochemical variation, residue mobility, and thermodynamic stability) performed at Invitae indicates that this missense variant is expected to disrupt SCN1A protein function. This variant has been observed in individual(s) with clinical features of SCN1A-related conditions (Invitae). In at least one individual the variant was observed to be de novo. ClinVar contains an entry for this variant (Variation ID: 373157). This variant is not present in population databases (ExAC no frequency). This sequence change replaces glycine with arginine at codon 1749 of the SCN1A protein (p.Gly1749Arg). The glycine residue is highly conserved and there is a moderate physicochemical difference between glycine and arginine.

GeneDx
Classification: Likely pathogenic. Last evaluated: 2016-11-11. Review status: criteria provided, single submitter. Criteria: GeneDx Variant Classification (06012015). Collection method: clinical testing. Allele origin: germline. Affected: yes.
Comment: A novel G1749R variant that is likely pathogenic has been identified in the SCN1A gene. The G1749R variant has not been published as a pathogenic variant, nor has it been reported as a benign variant to our knowledge. It was not observed in approximately 6,500 individuals of European and African American ancestry in the NHLBI Exome Sequencing Project, indicating it is not a common benign variant in these populations. The G1749R variant is a non-conservative amino acid substitution, which is likely to impact secondary protein structure as these residues differ in polarity, charge, size and/or other properties. This substitution alters a conserved position predicted to be within the the pore forming loop between the S5 and S6 transmembrane segments of the fourth homologous domain. In silico analysis predicts this variant is probably damaging to the protein structure/function. A missense variant at the same position (G1749E) and in nearby residues (N1744D, G1754R) have been reported in the Human Gene Mutation Database in association with SCN1A-related disorders (Stenson et al., 2014), supporting the functional importance of this region of the protein. Therefore, this variant is likely pathogenic; however, the possibility that it is benign cannot be excluded.

NM_001165963.4(SCN1A):c.5245G>A (p.Gly1749Arg)

Genes: SCN1A (sodium voltage-gated channel alpha subunit 1; minus strand), LOC102724058 (uncharacterized LOC102724058; plus strand). Cytogenetic location: 2q24.3.
Variant type: single nucleotide variant.
Coding change: c.5245G>A on transcript NM_001165963.4 (MANE Select); coding-DNA position 5245, G replaced by A.
Protein change: p.Gly1749Arg; replaces glycine 1749 with arginine.
Molecular consequence: missense variant. On other transcripts: non-coding transcript variant (1).
Genome position (GRCh38, 1-based): chr2:165,992,030, C>T on the plus strand (G>A on the coding strand, the complement: SCN1A is on the minus strand). VCF-style: chr2-165992030-C-T. GRCh37 (hg19) VCF-style: chr2-166848540-C-T.
Other names: c.5161G>A, p.Gly1721Arg (NM_001165964.3, NM_001353957.2, NM_001353958.2); c.5245G>A, p.Gly1749Arg (NM_001202435.3, NM_001353948.2); c.5212G>A, p.Gly1738Arg (NM_001353949.2, NM_001353950.2, NM_001353951.2 and 2 more transcripts); c.5209G>A, p.Gly1737Arg (NM_001353954.2, NM_001353955.2); c.5158G>A, p.Gly1720Arg (NM_001353960.2); c.2803G>A, p.Gly935Arg (NM_001353961.2); short protein forms G1738R, G1749R, G1720R, G1721R, G1737R, G935R.
Identifiers: ClinVar variation 373157 (VCV000373157.9), dbSNP rs1057518258, ClinGen allele CA16042389.